The following is an entry in ClinVar:

NM_004044.7(ATIC):c.595A>G (p.Lys199Glu)

Gene: ATIC (5-aminoimidazole-4-carboxamide ribonucleotide formyltransferase/IMP cyclohydrolase; plus strand). Cytogenetic location: 2q35.
Variant type: single nucleotide variant.
Coding change: c.595A>G on transcript NM_004044.7 (MANE Select); coding-DNA position 595, A replaced by G.
Protein change: p.Lys199Glu; replaces lysine 199 with glutamic acid.
Molecular consequence: missense variant.
Genome position (GRCh38, 1-based): chr2:215,326,885, A>G. VCF-style: chr2-215326885-A-G. GRCh37 (hg19) VCF-style: chr2-216191608-A-G.
Other names: short protein forms K199E.
Identifiers: ClinVar variation 747586 (VCV000747586.6), dbSNP rs140159793, ClinGen allele CA2093021.

ClinVar aggregate classification (germline): Benign. Review status: criteria provided, single submitter (1 of 4 stars). 2 submissions from 2 submitters: Benign (1). 1 of the submissions does not count toward it. Last evaluated 2019-12-31.

Conditions:
ATIC-related disorder. Also called: ATIC-related condition.

Allele frequency attached by ClinVar (database versions not stated): gnomAD exomes 0.00020 and 0.00068; gnomAD 0.00031 and 0.00038; TOPMed 0.00043; ExAC 0.00074; 1000 Genomes Project 30x 0.00094; 1000 Genomes Project 0.00100.
gnomAD v4.1: 366 of 1,614,198 alleles (0.023%); highest among the groups gnomAD compares: East Asian, 0.76%; 2 homozygotes.

Submissions (2):

Labcorp Genetics (formerly Invitae), Labcorp
Classification: Benign. Last evaluated: 2019-12-31. Review status: criteria provided, single submitter. Criteria: Invitae Variant Classification Sherloc (09022015). Collection method: clinical testing. Allele origin: germline.

PreventionGenetics, part of Exact Sciences
Classification: Likely benign for ATIC-related condition. Last evaluated: 2019-04-01. Review status: no assertion criteria provided. Collection method: clinical testing. Allele origin: germline. Not counted in ClinVar's aggregate classification.
Comment: This variant is classified as likely benign based on ACMG/AMP sequence variant interpretation guidelines (Richards et al. 2015 PMID: 25741868, with internal and published modifications).